The following is an entry in ClinVar:

NM_001953.5(TYMP):c.195C>A (p.Ser65Arg)

Gene: TYMP (thymidine phosphorylase; minus strand). Cytogenetic location: 22q13.33.
Variant type: single nucleotide variant.
Coding change: c.195C>A on transcript NM_001953.5 (MANE Select); coding-DNA position 195, C replaced by A.
Protein change: p.Ser65Arg; replaces serine 65 with arginine.
Molecular consequence: missense variant.
Genome position (GRCh38, 1-based): chr22:50,529,515, G>T on the plus strand (C>A on the coding strand, the complement: TYMP is on the minus strand). VCF-style: chr22-50529515-G-T. GRCh37 (hg19) VCF-style: chr22-50967944-G-T.
Other names: c.195C>A, p.Ser65Arg (NM_001113755.3, NM_001113756.3, NM_001257988.1 and 1 more transcripts); c.195C>A (NM_001953.3); short protein forms S65R.
Identifiers: ClinVar variation 2192708 (VCV002192708.2), dbSNP rs142027728, ClinGen allele CA10321858.

ClinVar aggregate classification (germline): Uncertain significance. Review status: criteria provided, multiple submitters, no conflicts (2 of 4 stars). 2 submissions from 2 submitters: Uncertain significance (2). Last evaluated 2024-12-10.

Conditions:
Inborn genetic diseases. Identifiers: MedGen C0950123, MeSH D030342.

gnomAD v4.1: 8 of 1,612,872 alleles (0.0005%); highest among the groups gnomAD compares: Middle Eastern, 0.016%; no homozygotes.

Submissions (2):

Ambry Genetics
Classification: Uncertain significance for Inborn genetic diseases. Last evaluated: 2024-12-10. Review status: criteria provided, single submitter. Criteria: Ambry Variant Classification Scheme 2023. Collection method: clinical testing. Allele origin: germline.

Labcorp Genetics (formerly Invitae), Labcorp
Classification: Uncertain significance. Last evaluated: 2022-05-09. Review status: criteria provided, single submitter. Criteria: Invitae Variant Classification Sherloc (09022015). Collection method: clinical testing. Allele origin: germline.
Comment: This sequence change replaces serine, which is neutral and polar, with arginine, which is basic and polar, at codon 65 of the TYMP protein (p.Ser65Arg). This variant is present in population databases (rs142027728, gnomAD 0.003%). This variant has not been reported in the literature in individuals affected with TYMP-related conditions. Advanced modeling of protein sequence and biophysical properties (such as structural, functional, and spatial information, amino acid conservation, physicochemical variation, residue mobility, and thermodynamic stability) performed at Invitae indicates that this missense variant is not expected to disrupt TYMP protein function. In summary, the available evidence is currently insufficient to determine the role of this variant in disease. Therefore, it has been classified as a Variant of Uncertain Significance.